The following is an entry in ClinVar:

ClinVar aggregate classification (germline): Conflicting classifications of pathogenicity. Review status: criteria provided, conflicting classifications (1 of 4 stars). 2 submissions from 2 submitters: Likely pathogenic (1); Uncertain significance (1). Last evaluated 2025-07-20.

Conditions:
CLCN1-related disorder. Also called: CLCN1-related condition.
Congenital myotonia, autosomal recessive form. Also called: BECKER DISEASE; Becker Generalized Myotonia; myotonia congenita, autosomal recessive. Identifiers: Orphanet 614, MedGen C0751360, MONDO:0009715, OMIM 255700.
Congenital myotonia, autosomal dominant form (THD). Also called: THOMSEN DISEASE; Myotonia congenita autosomal dominant. Identifiers: Orphanet 614, MedGen C2936781, MONDO:0008055, OMIM 160800.

Allele frequency attached by ClinVar (database versions not stated): ExAC 0.00001.
gnomAD v4.1: 67 of 1,612,354 alleles (0.0042%); highest among the groups gnomAD compares: Non-Finnish European, 0.0053%; no homozygotes.

Submissions (2):

Labcorp Genetics (formerly Invitae), Labcorp
Classification: Likely pathogenic for Congenital myotonia, autosomal recessive form; Congenital myotonia, autosomal dominant form. Last evaluated: 2025-07-20. Review status: criteria provided, single submitter. Criteria: Invitae Variant Classification Sherloc (09022015). Collection method: clinical testing. Allele origin: germline.
Comment: This sequence change replaces valine, which is neutral and non-polar, with isoleucine, which is neutral and non-polar, at codon 236 of the CLCN1 protein (p.Val236Ile). This variant is present in population databases (rs776173406, gnomAD 0.002%). This variant has not been reported in the literature in individuals affected with CLCN1-related conditions. ClinVar contains an entry for this variant (Variation ID: 2110756). Invitae Evidence Modeling of protein sequence and biophysical properties (such as structural, functional, and spatial information, amino acid conservation, physicochemical variation, residue mobility, and thermodynamic stability) indicates that this missense variant is expected to disrupt CLCN1 protein function with a positive predictive value of 95%. This variant disrupts the p.Val236 amino acid residue in CLCN1. Other variant(s) that disrupt this residue have been determined to be pathogenic (PMID: 9736777; internal data). This suggests that this residue is clinically significant, and that variants that disrupt this residue are likely to be disease-causing. In summary, the currently available evidence indicates that the variant is pathogenic, but additional data are needed to prove that conclusively. Therefore, this variant has been classified as Likely Pathogenic.

PreventionGenetics, part of Exact Sciences
Classification: Uncertain significance for CLCN1-related condition. Last evaluated: 2023-07-03. Review status: criteria provided, single submitter. Criteria: ACMG Guidelines, 2015. Collection method: clinical testing. Allele origin: germline.
Comment: The CLCN1 c.706G>A variant is predicted to result in the amino acid substitution p.Val236Ile. To our knowledge, this variant has not been previously reported in the literature. This variant is reported in 0.00078% of alleles in individuals of European (Non-Finnish) descent in gnomAD. A different amino acid change at this position (p.Val236Leu) was previously reported in association with autosomal recessive congenita myotonia (Kubisch et al. 1998. PubMed ID: 9736777). Although we suspect CLCN1 c.706G>A (p.Val236Ile) may be pathogenic, the clinical significance of this variant is uncertain due to the absence of conclusive functional and genetic evidence.

Literature cited by the submitters: PubMed 9736777 (cited by Labcorp Genetics (formerly Invitae), Labcorp).

NM_000083.3(CLCN1):c.706G>A (p.Val236Ile)

Gene: CLCN1 (chloride voltage-gated channel 1; plus strand). Cytogenetic location: 7q34.
Variant type: single nucleotide variant.
Coding change: c.706G>A on transcript NM_000083.3 (MANE Select); coding-DNA position 706, G replaced by A.
Protein change: p.Val236Ile; replaces valine 236 with isoleucine.
Molecular consequence: missense variant. On other transcripts: non-coding transcript variant (1).
Genome position (GRCh38, 1-based): chr7:143,323,318, G>A. VCF-style: chr7-143323318-G-A. GRCh37 (hg19) VCF-style: chr7-143020411-G-A.
Other names: c.706G>A (NM_000083.2); short protein forms V236I.
Identifiers: ClinVar variation 2110756 (VCV002110756.5), dbSNP rs776173406, ClinGen allele CA4537058.
Genomic context (GRCh38, chr7:143,323,318, plus strand): 5'-AGAGCCTCCATCTGGCCTCTGACCCCCGCCCCCTCGCTCCCCCTCTCCCAGGGCCCCTTC[G>A]TCCACATTGCCAGCATCTGTGCTGCTGTCCTCAGCAAATTCATGTCTGTGTTCTGCGGGG-3'
Protein context (NP_000074.3, residues 226-246): GIPVGKEGPF[Val236Ile]HIASICAAVL